The following is an entry in ClinVar:

ClinVar aggregate classification (germline): Likely benign. Review status: criteria provided, multiple submitters, no conflicts (2 of 4 stars). 3 submissions from 3 submitters: Likely benign (3). Last evaluated 2025-08-18.

Allele frequency attached by ClinVar (database versions not stated): gnomAD 0.00005; TOPMed 0.00005; ExAC 0.00006; ESP Exome Variant Server 0.00008; gnomAD exomes 0.00008.
gnomAD v4.1: 134 of 1,614,098 alleles (0.0083%); highest among the groups gnomAD compares: Middle Eastern, 0.21%; no homozygotes.

Submissions (3):

Labcorp Genetics (formerly Invitae), Labcorp
Classification: Likely benign. Last evaluated: 2025-08-18. Review status: criteria provided, single submitter. Criteria: Invitae Variant Classification Sherloc (09022015). Collection method: clinical testing. Allele origin: germline.

CeGaT Center for Human Genetics Tuebingen
Classification: Likely benign. Last evaluated: 2025-05-01. Review status: criteria provided, single submitter. Criteria: CeGaT Center For Human Genetics Tuebingen Variant Classification Criteria Version 2. Collection method: clinical testing. Allele origin: germline. Affected: yes. Observed: 1 variant allele.
Comment: KCNH1: BP4, BP7

Blueprint Genetics
Classification: Likely benign. Last evaluated: 2024-08-28. Review status: criteria provided, single submitter. Criteria: ACMG Guidelines, 2015. Collection method: clinical testing. Allele origin: germline.

NM_172362.3(KCNH1):c.1524C>T (p.Asn508=)

Gene: KCNH1 (potassium voltage-gated channel subfamily H member 1; minus strand). Cytogenetic location: 1q32.2.
Variant type: single nucleotide variant.
Coding change: c.1524C>T on transcript NM_172362.3 (MANE Select); coding-DNA position 1524, C replaced by T.
Protein change: p.Asn508=; no amino-acid change (asparagine 508 retained).
Molecular consequence: synonymous variant.
Genome position (GRCh38, 1-based): chr1:210,804,105, G>A on the plus strand (C>T on the coding strand, the complement: KCNH1 is on the minus strand). VCF-style: chr1-210804105-G-A. GRCh37 (hg19) VCF-style: chr1-210977447-G-A.
Other names: c.1443C>T, p.Asn481= (NM_002238.4).
Identifiers: ClinVar variation 1584394 (VCV001584394.19), dbSNP rs377589852, ClinGen allele CA1379861.